The following is an entry in ClinVar:

NM_000169.3(GLA):c.1081G>C (p.Gly361Arg)

Genes: GLA (galactosidase alpha; minus strand), RPL36A-HNRNPH2 (RPL36A-HNRNPH2 readthrough; plus strand). Cytogenetic location: Xq22.1.
Variant type: single nucleotide variant.
Coding change: c.1081G>C on transcript NM_000169.3 (MANE Select); coding-DNA position 1081, G replaced by C.
Protein change: p.Gly361Arg; replaces glycine 361 with arginine.
Molecular consequence: missense variant. On other transcripts: non-coding transcript variant (3), intron variant (2).
Genome position (GRCh38, 1-based): chrX:101,398,018, C>G on the plus strand (G>C on the coding strand, the complement: GLA is on the minus strand). VCF-style: chrX-101398018-C-G. GRCh37 (hg19) VCF-style: chrX-100653006-C-G.
Other names: c.1204G>C, p.Gly402Arg (NM_001406747.1); c.300+2561C>G (NM_001199973.2); c.177+6196C>G (NM_001199974.2); short protein forms G361R, G402R.
Identifiers: ClinVar variation 10744 (VCV000010744.3), dbSNP rs28935494, ClinGen allele CA021360.
Genomic context (GRCh38, chrX:101,398,018, plus strand): 5'-CAGGATTACAGGCCACTCCTTTACCCAGGGAAGCAACTGCGATGGTATAAGAGCGAGGTC[C>G]ACCAATCTCCTGCCGGTTTATCATAGCTACAGCCCAGGCTAAGCCTGAGAGAGGTCGTTC-3'
Protein context (NP_000160.1, residues 351-371): VAMINRQEIG[Gly361Arg]PRSYTIAVAS

ClinVar aggregate classification (germline): Likely pathogenic. Review status: criteria provided, single submitter (1 of 4 stars). 2 submissions from 2 submitters: Likely pathogenic (1). 1 of the submissions does not count toward it. Last evaluated 2026-09-08.

Conditions:
Fabry disease. Also called: Ceramide trihexosidosis; Fabry's disease; CERAMIDE TRIHEXOSIDASE DEFICIENCY; GLA DEFICIENCY; HEREDITARY DYSTOPIC LIPIDOSIS; ALPHA-GALACTOSIDASE A DEFICIENCY. Identifiers: Orphanet 324, MedGen C0002986, MONDO:0010526, OMIM 301500, HP:0001071. Disease mechanism: Fabry disease is due to inactivating mutations in the X-linked GLA gene resulting in deficiency of the enzyme Alpha Galactosidase-A., loss of function.

Submissions (2):

Genomenon, Inc
Classification: Likely pathogenic for Fabry disease. Last evaluated: 2026-09-08. Review status: criteria provided, single submitter. Criteria: Genomenon Sequence Variant Interpretation Standards - Updated. Collection method: curation. Allele origin: germline. Affected: no.
Comment: GLA p.Gly361Arg (c.1081G>C) is a missense variant that changes the amino acid at codon 361 from Glycine to Arginine. To our knowledge, this variant has not been reported in patients affected with Fabry disease in the published literature. At least one functional study has demonstrated a substantial alteration in protein function relative to the wild-type (PMID:23935525). It is absent or not present at a significant frequency in gnomAD. In silico models predict that this variant is possibly or probably damaging. In conclusion, we classify GLA p.Gly361Arg (c.1081G>C) as a likely pathogenic variant.

OMIM
Classification: Pathogenic for FABRY DISEASE. Last evaluated: 1993-07-01. Review status: no assertion criteria provided. Collection method: literature only. Allele origin: germline. Not counted in ClinVar's aggregate classification.

Literature cited by the submitters: PubMed 23935525 (cited by Genomenon, Inc); PubMed 8395937 (cited by OMIM).